The following is an entry in ClinVar:

ClinVar aggregate classification (germline): Conflicting classifications of pathogenicity. Review status: criteria provided, conflicting classifications (1 of 4 stars). 12 submissions from 12 submitters: Uncertain significance (1); Likely benign (10). 1 of the submissions does not count toward it. Last evaluated 2026-07-01.

Conditions:
Polycystic kidney disease 4 (PKD4). Also called: Autosomal Recessive Polycystic Kidney Disease – PKHD1; POLYCYSTIC KIDNEY AND HEPATIC DISEASE 1; POLYCYSTIC KIDNEY DISEASE, INFANTILE, TYPE I; PKD3; POLYCYSTIC KIDNEY DISEASE 4 WITH OR WITHOUT POLYCYSTIC LIVER DISEASE. Identifiers: MedGen C4540575, MONDO:0033004, OMIM 263200.
Autosomal recessive polycystic kidney disease (ARPKD). Also called: AR polycystic kidney disease. Identifiers: Orphanet 731, Orphanet 8378, MedGen C0085548, MeSH D017044, MONDO:0009889.

Allele frequency attached by ClinVar (database versions not stated): 1000 Genomes Project 0.00100; 1000 Genomes Project 30x 0.00109; TOPMed 0.00362; gnomAD 0.00366 and 0.00371; ESP Exome Variant Server 0.00400; gnomAD exomes 0.00621.
gnomAD v4.1: 9,657 of 1,614,206 alleles (0.6%); highest among the groups gnomAD compares: Non-Finnish European, 0.76%; 43 homozygotes.

Submissions (12):

CeGaT Center for Human Genetics Tuebingen
Classification: Likely benign. Last evaluated: 2026-07-01. Review status: criteria provided, single submitter. Criteria: CeGaT Center For Human Genetics Tuebingen Variant Classification Criteria Version 2. Collection method: clinical testing. Allele origin: germline. Affected: yes. Observed: 11 variant alleles.
Comment: PKHD1: BS2

Labcorp Genetics (formerly Invitae), Labcorp
Classification: Likely benign for Autosomal recessive polycystic kidney disease. Last evaluated: 2026-02-04. Review status: criteria provided, single submitter. Criteria: Invitae Variant Classification Sherloc (09022015). Collection method: clinical testing. Allele origin: germline.

Mayo Clinic Laboratories, Mayo Clinic
Classification: Likely benign. Last evaluated: 2025-01-31. Review status: criteria provided, single submitter. Criteria: ACMG Guidelines, 2015. Collection method: clinical testing. Allele origin: germline. Observed: 8 variant alleles.
Comment: BS1, BS2

Blueprint Genetics
Classification: Likely benign. Last evaluated: 2024-11-26. Review status: criteria provided, single submitter. Criteria: ACMG Guidelines, 2015. Collection method: clinical testing. Allele origin: germline.

Women's Health and Genetics/Laboratory Corporation of America, LabCorp
Classification: Likely benign. Last evaluated: 2022-03-15. Review status: criteria provided, single submitter. Criteria: LabCorp Variant Classification Summary - May 2015. Collection method: clinical testing. Allele origin: germline.
Comment: Variant summary: PKHD1 c.5125C>T (p.Leu1709Phe) results in a non-conservative amino acid change in the encoded protein sequence. Five of five in-silico tools predict a damaging effect of the variant on protein function. The variant allele was found at a frequency of 0.0028 in 251342 control chromosomes (gnomAD and publication data), predominantly at a frequency of 0.0053 within the Non-Finnish European subpopulation in the gnomAD database, including 3 homozygotes. This frequency is not higher than expected for a pathogenic variant in PKHD1 causing Polycystic Kidney And Hepatic Disease (0.0028 vs 0.0071), allowing no conclusion about variant significance. However, this variant was observed in high allele frequency (as high as 1.5%) in healthy controls in multiple publications and classified as polymorphism (Rossetti_2003, Bergmann_2014, Sharp_2005, Losekoot_2005). c.5125C>T has been reported in the literature in individuals affected with Polycystic Kidney And Hepatic Disease (e.g. Furu_2003, Gunay-Aygun_2010, Denamur_2010, Bullich_2018). These reports do not provide unequivocal conclusions about association of the variant with Polycystic Kidney And Hepatic Disease. To our knowledge, no experimental evidence demonstrating an impact on protein function has been reported. Six ClinVar submitters have assessed the variant since 2014: two have classified the variant as of uncertain significance and four have classified it as likely benign. Based on the evidence outlined above, the variant was classified as likely benign.

Department of Pathology and Laboratory Medicine, Sinai Health System
Classification: Likely benign for Polycystic kidney disease 4. Last evaluated: 2021-08-27. Review status: criteria provided, single submitter. Criteria: ACMG Guidelines, 2015. Collection method: clinical testing. Allele origin: germline. Affected: yes.

GeneDx
Classification: Likely benign. Last evaluated: 2020-06-26. Review status: criteria provided, single submitter. Criteria: GeneDx Variant Classification Process June 2021. Collection method: clinical testing. Allele origin: germline. Affected: yes.
Comment: This variant is associated with the following publications: (PMID: 24162162, 30809968, 19940839, 20413436, 16133180, 15805161, 15108277, 12874454, 12846734)

Mendelics
Classification: Likely benign for Polycystic kidney disease 4. Last evaluated: 2019-05-28. Review status: criteria provided, single submitter. Criteria: Mendelics Assertion Criteria 2017. Collection method: clinical testing. Allele origin: unknown.

Illumina Laboratory Services, Illumina
Classification: Uncertain significance for Polycystic kidney disease 4. Last evaluated: 2017-04-27. Review status: criteria provided, single submitter. Criteria: ICSL Variant Classification Criteria 13 December 2019. Collection method: clinical testing. Allele origin: germline.
Comment: This variant was observed as part of a predisposition screen in an ostensibly healthy population. A literature search was performed for the gene, cDNA change, and amino acid change (where applicable). Publications were found based on this search. However, the evidence from the literature, in combination with allele frequency data from public databases where available, was not sufficient to rule this variant in or out of causing disease. Therefore, this variant is classified as a variant of unknown significance.

Eurofins Ntd Llc (ga)
Classification: Likely benign. Last evaluated: 2016-10-18. Review status: criteria provided, single submitter. Criteria: EGL Classification Definitions 2015. Collection method: clinical testing. Allele origin: germline. Observed: 1 variant allele, 1 heterozygote.

PreventionGenetics, part of Exact Sciences
Classification: Likely benign. Review status: criteria provided, single submitter. Criteria: ACMG Guidelines, 2015. Collection method: clinical testing. Allele origin: germline.

Natera, Inc.
Classification: Likely benign for Autosomal recessive polycystic kidney disease. Last evaluated: 2017-05-08. Review status: no assertion criteria provided. Collection method: clinical testing. Allele origin: germline. Not counted in ClinVar's aggregate classification.

Literature cited by the submitters: PubMed 12846734 (cited by 4 submitters); PubMed 12874454 (cited by 4 submitters); PubMed 14741187 (cited by Mayo Clinic Laboratories, Mayo Clinic); PubMed 15108277 (cited by Mayo Clinic Laboratories, Mayo Clinic and Women's Health and Genetics/Laboratory Corporation of America, LabCorp); PubMed 15805161 (cited by 4 submitters); PubMed 16133180 (cited by Mayo Clinic Laboratories, Mayo Clinic and Women's Health and Genetics/Laboratory Corporation of America, LabCorp); PubMed 19940839 (cited by Mayo Clinic Laboratories, Mayo Clinic and Women's Health and Genetics/Laboratory Corporation of America, LabCorp); PubMed 20413436 (cited by Mayo Clinic Laboratories, Mayo Clinic); PubMed 24162162 (cited by Mayo Clinic Laboratories, Mayo Clinic); PubMed 19914852 (cited by Women's Health and Genetics/Laboratory Corporation of America, LabCorp); PubMed 29801666 (cited by Women's Health and Genetics/Laboratory Corporation of America, LabCorp).

NM_138694.4(PKHD1):c.5125C>T (p.Leu1709Phe)

Genes: PKHD1 (PKHD1 ciliary IPT domain containing fibrocystin/polyductin; minus strand), LOC126859690 (MED14-independent group 3 enhancer GRCh37_chr6:51888848-51890047; plus strand). Cytogenetic location: 6p12.2.
Variant type: single nucleotide variant.
Coding change: c.5125C>T on transcript NM_138694.4 (MANE Select); coding-DNA position 5125, C replaced by T.
Protein change: p.Leu1709Phe; replaces leucine 1709 with phenylalanine.
Molecular consequence: missense variant.
Genome position (GRCh38, 1-based): chr6:52,024,685, G>A on the plus strand (C>T on the coding strand, the complement: PKHD1 is on the minus strand). VCF-style: chr6-52024685-G-A. GRCh37 (hg19) VCF-style: chr6-51889483-G-A.
Other names: c.5125C>T, p.Leu1709Phe (NM_170724.3); short protein forms L1709F.
Identifiers: ClinVar variation 262404 (VCV000262404.71), dbSNP rs45517932, ClinGen allele CA3852608.